The following is an entry in ClinVar:

NM_022552.5(DNMT3A):c.860G>A (p.Gly287Asp)

Gene: DNMT3A (DNA methyltransferase 3 alpha; minus strand). Cytogenetic location: 2p23.3.
Variant type: single nucleotide variant.
Coding change: c.860G>A on transcript NM_022552.5 (MANE Select); coding-DNA position 860, G replaced by A.
Protein change: p.Gly287Asp; replaces glycine 287 with aspartic acid.
Molecular consequence: missense variant. On other transcripts: non-coding transcript variant (1).
Genome position (GRCh38, 1-based): chr2:25,247,745, C>T on the plus strand (G>A on the coding strand, the complement: DNMT3A is on the minus strand). VCF-style: chr2-25247745-C-T. GRCh37 (hg19) VCF-style: chr2-25470614-C-T.
Other names: c.404G>A, p.Gly135Asp (NM_001320893.1); c.191G>A, p.Gly64Asp (NM_001375819.1); c.293G>A, p.Gly98Asp (NM_153759.3); c.860G>A, p.Gly287Asp (NM_175629.2); short protein forms G98D, G135D, G287D, G64D.
Identifiers: ClinVar variation 4013953 (VCV004013953.1).

ClinVar aggregate classification (germline): Uncertain significance (1 of 4 stars; one submission).

Conditions:
Inborn genetic diseases. Identifiers: MedGen C0950123, MeSH D030342.

Submission:

Ambry Genetics
Classification: Uncertain significance for Inborn genetic diseases. Last evaluated: 2025-06-12. Review status: criteria provided, single submitter. Criteria: Ambry Variant Classification Scheme 2023. Collection method: clinical testing. Allele origin: germline.
Comment: The p.G287D variant (also known as c.860G>A), located in coding exon 7 of the DNMT3A gene, results from a G to A substitution at nucleotide position 860. The glycine at codon 287 is replaced by aspartic acid, an amino acid with similar properties. This amino acid position is conserved. In addition, the in silico prediction for this alteration is inconclusive. Based on the available evidence, the clinical significance of this variant remains unclear.